The following is an entry in ClinVar:

NM_005002.5(NDUFA9):c.253C>T (p.Arg85Trp)

Gene: NDUFA9 (NADH:ubiquinone oxidoreductase subunit A9; plus strand). Cytogenetic location: 12p13.32.
Variant type: single nucleotide variant.
Coding change: c.253C>T on transcript NM_005002.5 (MANE Select); coding-DNA position 253, C replaced by T.
Protein change: p.Arg85Trp; replaces arginine 85 with tryptophan.
Molecular consequence: missense variant.
Genome position (GRCh38, 1-based): chr12:4,654,857, C>T. VCF-style: chr12-4654857-C-T. GRCh37 (hg19) VCF-style: chr12-4764023-C-T.
Other names: short protein forms R85W.
Identifiers: ClinVar variation 214723 (VCV000214723.40), dbSNP rs71579253, ClinGen allele CA320980.

ClinVar aggregate classification (germline): Uncertain significance. Review status: criteria provided, multiple submitters, no conflicts (2 of 4 stars). 8 submissions from 8 submitters: Uncertain significance (8). Last evaluated 2025-06-19.

Conditions:
Inborn genetic diseases. Identifiers: MedGen C0950123, MeSH D030342.
Mitochondrial complex I deficiency, nuclear type 26. Also called: Mitochondrial complex 1 deficiency, nuclear type 26. Identifiers: MedGen C4748809, MONDO:0032630, OMIM 618247.
Leigh syndrome (NULS). Also called: LEIGH SYNDROME, NUCLEAR; Leigh Syndrome (mtDNA deletion); Leigh's necrotizing encephalopathy; Leigh's disease; Leigh's syndrome; Subacute necrotizing encephalopathy. Identifiers: Orphanet 506, MedGen C2931891, MONDO:0009723, OMIM 256000.

Allele frequency attached by ClinVar (database versions not stated): 1000 Genomes Project 30x 0.00016; 1000 Genomes Project 0.00020; ExAC 0.00022; TOPMed 0.00025; gnomAD 0.00026; gnomAD exomes 0.00026; ESP Exome Variant Server 0.00046.
gnomAD v4.1: 658 of 1,613,792 alleles (0.041%); highest among the groups gnomAD compares: Non-Finnish European, 0.051%; no homozygotes.

Submissions (8):

Ambry Genetics
Classification: Uncertain significance for Inborn genetic diseases. Last evaluated: 2025-06-19. Review status: criteria provided, single submitter. Criteria: Ambry Variant Classification Scheme 2023. Collection method: clinical testing. Allele origin: germline.

Labcorp Genetics (formerly Invitae), Labcorp
Classification: Uncertain significance. Last evaluated: 2024-10-30. Review status: criteria provided, single submitter. Criteria: Invitae Variant Classification Sherloc (09022015). Collection method: clinical testing. Allele origin: germline.
Comment: This sequence change replaces arginine, which is basic and polar, with tryptophan, which is neutral and slightly polar, at codon 85 of the NDUFA9 protein (p.Arg85Trp). This variant is present in population databases (rs71579253, gnomAD 0.04%). This variant has not been reported in the literature in individuals affected with NDUFA9-related conditions. ClinVar contains an entry for this variant (Variation ID: 214723). An algorithm developed to predict the effect of missense changes on protein structure and function (PolyPhen-2) suggests that this variant is likely to be disruptive. In summary, the available evidence is currently insufficient to determine the role of this variant in disease. Therefore, it has been classified as a Variant of Uncertain Significance.

Women's Health and Genetics/Laboratory Corporation of America, LabCorp
Classification: Uncertain significance. Last evaluated: 2024-09-30. Review status: criteria provided, single submitter. Criteria: LabCorp Variant Classification Summary - May 2015. Collection method: clinical testing. Allele origin: germline.
Comment: Variant summary: NDUFA9 c.253C>T (p.Arg85Trp) results in a non-conservative amino acid change located in the NAD-dependent epimerase/dehydratase (IPR001509) of the encoded protein sequence. Five of five in-silico tools predict a damaging effect of the variant on protein function. The variant allele was found at a frequency of 0.00026 in 251112 control chromosomes. This frequency is not significantly higher than estimated for a pathogenic variant in NDUFA9 causing Mitochondrial Complex 1 Deficiency, Nuclear Type 26, allowing no conclusion about variant significance. To our knowledge, no occurrence of c.253C>T in individuals affected with Mitochondrial Complex 1 Deficiency, Nuclear Type 26 and no experimental evidence demonstrating its impact on protein function have been reported. ClinVar contains an entry for this variant (Variation ID: 214723). Based on the evidence outlined above, the variant was classified as uncertain significance.

GeneDx
Classification: Uncertain significance. Last evaluated: 2024-06-27. Review status: criteria provided, single submitter. Criteria: GeneDx Variant Classification Process June 2021. Collection method: clinical testing. Allele origin: germline. Affected: yes.
Comment: Has not been previously published as pathogenic or benign to our knowledge; In silico analysis supports that this missense variant has a deleterious effect on protein structure/function

CeGaT Center for Human Genetics Tuebingen
Classification: Uncertain significance. Last evaluated: 2024-05-01. Review status: criteria provided, single submitter. Criteria: CeGaT Center For Human Genetics Tuebingen Variant Classification Criteria Version 2. Collection method: clinical testing. Allele origin: germline. Affected: yes. Observed: 1 variant allele.
Comment: NDUFA9: PM2

Department of Pathology and Laboratory Medicine, Sinai Health System
Classification: Uncertain significance for Mitochondrial complex I deficiency, nuclear type 26. Last evaluated: 2022-06-09. Review status: criteria provided, single submitter. Criteria: ACMG Guidelines, 2015. Collection method: research. Allele origin: germline.

Baylor Genetics
Classification: Uncertain significance for Leigh syndrome. Last evaluated: 2018-08-23. Review status: criteria provided, single submitter. Criteria: ACMG Guidelines, 2015. Collection method: clinical testing. Allele origin: paternal. Affected: yes.
Comment: This variant was determined to be of uncertain significance according to ACMG Guidelines, 2015 [PMID:25741868].

Center for Pediatric Genomic Medicine, Children's Mercy Hospital and Clinics
Classification: Uncertain significance. Last evaluated: 2016-09-28. Review status: criteria provided, single submitter. Criteria: ACMG Guidelines, 2015. Collection method: clinical testing. Allele origin: germline.
ClinVar note: Converted during submission from Uncertain Significance to Uncertain significance.